The following is an entry in ClinVar:

NM_153717.3(EVC):c.2402T>C (p.Met801Thr)

Gene: EVC (EvC ciliary complex subunit 1; plus strand). Cytogenetic location: 4p16.2.
Variant type: single nucleotide variant.
Coding change: c.2402T>C on transcript NM_153717.3 (MANE Select); coding-DNA position 2402, T replaced by C.
Protein change: p.Met801Thr; replaces methionine 801 with threonine.
Molecular consequence: missense variant.
Genome position (GRCh38, 1-based): chr4:5,802,047, T>C. VCF-style: chr4-5802047-T-C. GRCh37 (hg19) VCF-style: chr4-5803774-T-C.
Other names: c.2402T>C, p.Met801Thr (NM_001306090.2); short protein forms M801T.
Identifiers: ClinVar variation 4067548 (VCV004067548.2).

ClinVar aggregate classification (germline): Uncertain significance. Review status: criteria provided, single submitter (1 of 4 stars). 2 submissions from 2 submitters: Uncertain significance (1). 1 of the submissions does not count toward it. Last evaluated 2026-01-13.

Conditions:
Ellis-van Creveld syndrome (EVC). Also called: Chondroectodermal dysplasia; EVC-Related Ellis-van Creveld Syndrome; EVC2-Related Ellis-van Creveld Syndrome; MESOECTODERMAL DYSPLASIA. Identifiers: Orphanet 289, MedGen C0013903, MONDO:0009162, OMIM 225500.

gnomAD v4.1: 1 of 1,614,220 alleles (0.000062%); highest among the groups gnomAD compares: Non-Finnish European, 0.000085%; no homozygotes.

Submissions (2):

Women's Health and Genetics/Laboratory Corporation of America, LabCorp
Classification: Uncertain significance. Last evaluated: 2026-01-13. Review status: criteria provided, single submitter. Criteria: LabCorp Variant Classification Summary - May 2015. Collection method: clinical testing. Allele origin: germline.
Comment: Variant summary: EVC c.2402T>C (p.Met801Thr) results in a non-conservative amino acid change in the encoded protein sequence. Algorithms developed to predict the effect of missense changes on protein structure and function are either unavailable or do not agree on the potential impact of this missense change. The variant was absent in 251378 control chromosomes. The available data on variant occurrences in the general population are insufficient to allow any conclusion about variant significance. To our knowledge, no occurrence of c.2402T>C in individuals affected with EVC-related conditions and no experimental evidence demonstrating its impact on protein function have been reported. ClinVar contains an entry for this variant (Variation ID: 4067548). Based on the evidence outlined above, the variant was classified as uncertain significance.

Natera, Inc.
Classification: Uncertain significance for Ellis-van Creveld syndrome. Last evaluated: 2025-02-14. Review status: no assertion criteria provided. Collection method: clinical testing. Allele origin: germline. Not counted in ClinVar's aggregate classification.